The following is an entry in ClinVar:

ClinVar aggregate classification (germline): Uncertain significance (1 of 4 stars; one submission).

Submission:

Labcorp Genetics (formerly Invitae), Labcorp
Classification: Uncertain significance. Last evaluated: 2025-12-01. Review status: criteria provided, single submitter. Criteria: Invitae Variant Classification Sherloc (09022015). Collection method: clinical testing. Allele origin: germline.
Comment: This sequence change replaces glutamine, which is neutral and polar, with proline, which is neutral and non-polar, at codon 398 of the DNA2 protein (p.Gln398Pro). This variant is not present in population databases (gnomAD no frequency). This variant has not been reported in the literature in individuals affected with DNA2-related conditions. ClinVar contains an entry for this variant (Variation ID: 2051407). Invitae Evidence Modeling of protein sequence and biophysical properties (such as structural, functional, and spatial information, amino acid conservation, physicochemical variation, residue mobility, and thermodynamic stability) indicates that this missense variant is expected to disrupt DNA2 protein function with a positive predictive value of 80%. In summary, the available evidence is currently insufficient to determine the role of this variant in disease. Therefore, it has been classified as a Variant of Uncertain Significance.

NM_001080449.3(DNA2):c.1193A>C (p.Gln398Pro)

Gene: DNA2 (DNA replication helicase/nuclease 2; minus strand). Cytogenetic location: 10q21.3.
Variant type: single nucleotide variant.
Coding change: c.1193A>C on transcript NM_001080449.3 (MANE Select); coding-DNA position 1193, A replaced by C.
Protein change: p.Gln398Pro; replaces glutamine 398 with proline.
Molecular consequence: missense variant. On other transcripts: non-coding transcript variant (1).
Genome position (GRCh38, 1-based): chr10:68,444,948, T>G on the plus strand (A>C on the coding strand, the complement: DNA2 is on the minus strand). VCF-style: chr10-68444948-T-G. GRCh37 (hg19) VCF-style: chr10-70204705-T-G.
Other names: short protein forms Q398P.
Identifiers: ClinVar variation 2051407 (VCV002051407.4), dbSNP rs2493958981, ClinGen allele CA376862476.
Genomic context (GRCh38, chr10:68,444,948, plus strand): 5'-CTAGAAATAATGCCTTTGGTAGACAATATTTACCTGCTATAAAGAGCACAATTGCCAATT[T>G]GTGAACAATATTTACAAGTTTTCTCTTCCTCAATTATTTGTGGCAAAGAAGCAAGCTGTG-3'
Protein context (NP_001073918.2, residues 388-408): EEEKTCKYCS[Gln398Pro]IGNCALYSRA